The following is an entry in ClinVar:

NM_000268.4(NF2):c.1621G>T (p.Glu541Ter)

Gene: NF2 (NF2, moesin-ezrin-radixin like (MERLIN) tumor suppressor; plus strand). Cytogenetic location: 22q12.2.
Variant type: single nucleotide variant.
Coding change: c.1621G>T on transcript NM_000268.4 (MANE Select); coding-DNA position 1621, G replaced by T.
Protein change: p.Glu541Ter; replaces glutamic acid 541 with a stop codon.
Molecular consequence: nonsense. On other transcripts: non-coding transcript variant (1), intron variant (1).
Genome position (GRCh38, 1-based): chr22:29,681,485, G>T. VCF-style: chr22-29681485-G-T. GRCh37 (hg19) VCF-style: chr22-30077474-G-T.
Other names: c.1621G>T, p.Glu541Ter (NM_016418.5, NM_181825.3, NM_181832.3); c.1495G>T, p.Glu499Ter (NM_181828.3); c.1498G>T, p.Glu500Ter (NM_181829.3); c.1372G>T, p.Glu458Ter (NM_181830.3, NM_181831.3); c.448-13267G>T (NM_181833.3); c.1621G>T (NM_000268.3); short protein forms E458*, E499*, E500*, E541*.
Identifiers: ClinVar variation 1075185 (VCV001075185.8), dbSNP rs2147122741, ClinGen allele CA411150095.

ClinVar aggregate classification (germline): Pathogenic. Review status: criteria provided, multiple submitters, no conflicts (2 of 4 stars). 2 submissions from 2 submitters: Pathogenic (2). Last evaluated 2026-02-18.

Conditions:
Hereditary cancer-predisposing syndrome. Also called: Neoplastic Syndromes, Hereditary; Tumor predisposition; Hereditary Cancer Syndrome; Hereditary neoplastic syndrome. Identifiers: Orphanet 140162, MedGen C0027672, MeSH D009386, MONDO:0015356.
Neurofibromatosis, type 2 (SWNV). Also called: BILATERAL ACOUSTIC NEUROFIBROMATOSIS; SCHWANNOMATOSIS, VESTIBULAR; NF2-Related Schwannomatosis. Identifiers: Orphanet 637, MedGen C0027832, MONDO:0007039, OMIM 101000. Disease mechanism: loss of function.

Submissions (2):

Ambry Genetics
Classification: Pathogenic for Hereditary cancer-predisposing syndrome. Last evaluated: 2026-02-18. Review status: criteria provided, single submitter. Criteria: Ambry Variant Classification Scheme 2023. Collection method: clinical testing. Allele origin: germline.
Comment: The p.E541* pathogenic mutation (also known as c.1621G>T), located in coding exon 15 of the NF2 gene, results from a G to T substitution at nucleotide position 1621. This changes the amino acid from a glutamic acid to a stop codon within coding exon 15. This variant was reported in individual(s) with features consistent with NF2-related schwannomatosis (Ambry internal data). This variant is considered to be rare based on population cohorts in the Genome Aggregation Database (gnomAD). This variant is expected to result in loss of function by premature protein truncation or nonsense-mediated mRNA decay. As such, this variant is interpreted as a disease-causing mutation.

Labcorp Genetics (formerly Invitae), Labcorp
Classification: Pathogenic for Neurofibromatosis, type 2. Last evaluated: 2022-02-24. Review status: criteria provided, single submitter. Criteria: Invitae Variant Classification Sherloc (09022015). Collection method: clinical testing. Allele origin: germline.
Comment: This sequence change creates a premature translational stop signal (p.Glu541*) in the NF2 gene. It is expected to result in an absent or disrupted protein product. Loss-of-function variants in NF2 are known to be pathogenic (PMID: 9643284, 16983642). This variant is not present in population databases (gnomAD no frequency). This variant has not been reported in the literature in individuals affected with NF2-related conditions. ClinVar contains an entry for this variant (Variation ID: 1075185). For these reasons, this variant has been classified as Pathogenic.

Literature cited by the submitters: PubMed 9643284 (cited by Labcorp Genetics (formerly Invitae), Labcorp); PubMed 16983642 (cited by Labcorp Genetics (formerly Invitae), Labcorp).